The following is an entry in ClinVar:

NM_001374736.1(DST):c.15352A>G (p.Ile5118Val)

Gene: DST (dystonin; minus strand). Cytogenetic location: 6p12.1.
Variant type: single nucleotide variant.
Coding change: c.15352A>G on transcript NM_001374736.1 (MANE Select); coding-DNA position 15352, A replaced by G.
Protein change: p.Ile5118Val; replaces isoleucine 5118 with valine.
Molecular consequence: missense variant.
Genome position (GRCh38, 1-based): chr6:56,553,440, T>C on the plus strand (A>G on the coding strand, the complement: DST is on the minus strand). VCF-style: chr6-56553440-T-C. GRCh37 (hg19) VCF-style: chr6-56418238-T-C.
Other names: c.8995A>G, p.Ile2999Val (NM_001144769.5); c.8581A>G, p.Ile2861Val (NM_001144770.2); c.15352A>G, p.Ile5118Val (NM_001374722.1); c.14719A>G, p.Ile4907Val (NM_001374729.1); c.8461A>G, p.Ile2821Val (NM_001374730.1, NM_001386100.1, NM_183380.4); c.15379A>G, p.Ile5127Val (NM_001374734.1); c.7483A>G, p.Ile2495Val (NM_015548.5); short protein forms I2495V, I2821V, I2861V, I2999V, I4907V, I5118V, I5127V.
Identifiers: ClinVar variation 2147631 (VCV002147631.1), dbSNP rs377635754, ClinGen allele CA139206534.
Genomic context (GRCh38, chr6:56,553,440, plus strand): 5'-ACTGTAAGGCTGCCTTCTCAGACCCTTGTGTTTTTAATAACAGATTTTCACCTTCTGCAA[T>C]GGTTTTTTCATACATATGAGACTGAGCGGTCAAAGTTTTACTAAAGTCTTTATGATCTTT-3'
Protein context (NP_001361665.1, residues 5108-5128): TAQSHMYEKT[Ile5118Val]AEGENLLLKT

ClinVar aggregate classification (germline): Uncertain significance (1 of 4 stars; one submission).

Conditions:
Hereditary sensory and autonomic neuropathy type 6. Also called: Neuropathy, hereditary sensory and autonomic, type VI; HSAN VI. Identifiers: Orphanet 314381, MedGen C3539003, MONDO:0013839, OMIM 614653.
Epidermolysis bullosa simplex 3, localized or generalized intermediate, with BP230 deficiency (EBS3). Also called: Epidermolysis bullosa simplex due to BP230 deficiency; Epidermolysis bullosa simplex, autosomal recessive 2. Identifiers: Orphanet 412181, MedGen C3809470, MONDO:0014180, OMIM 615425.

Allele frequency attached by ClinVar (database versions not stated): gnomAD exomes below 0.00001; TOPMed 0.00001; ESP Exome Variant Server 0.00008.
gnomAD v4.1: 4 of 1,604,492 alleles (0.00025%); highest among the groups gnomAD compares: Non-Finnish European, 0.00034%; no homozygotes.

Submission:

Labcorp Genetics (formerly Invitae), Labcorp
Classification: Uncertain significance for Epidermolysis bullosa simplex 3, localized or generalized intermediate, with BP230 deficiency; Hereditary sensory and autonomic neuropathy type 6. Last evaluated: 2022-10-31. Review status: criteria provided, single submitter. Criteria: Invitae Variant Classification Sherloc (09022015). Collection method: clinical testing. Allele origin: germline.
Comment: The DST gene has multiple clinically relevant transcripts. This variant occurs in alternate transcript NM_015548.4, and corresponds to NM_001723.5:c.*62077A>G in the primary transcript. This sequence change replaces isoleucine, which is neutral and non-polar, with valine, which is neutral and non-polar, at codon 2495 of the DST protein (p.Ile2495Val). This variant is not present in population databases (gnomAD no frequency). This variant has not been reported in the literature in individuals affected with DST-related conditions. Experimental studies and prediction algorithms are not available or were not evaluated, and the functional significance of this variant is currently unknown. In summary, the available evidence is currently insufficient to determine the role of this variant in disease. Therefore, it has been classified as a Variant of Uncertain Significance.